The following is an entry in ClinVar:

NM_001037131.3(AGAP1):c.2536C>T (p.Arg846Trp)

Gene: AGAP1 (ArfGAP with GTPase domain, ankyrin repeat and PH domain 1; plus strand). Cytogenetic location: 2q37.2.
Variant type: single nucleotide variant.
Coding change: c.2536C>T on transcript NM_001037131.3 (MANE Select); coding-DNA position 2536, C replaced by T.
Protein change: p.Arg846Trp; replaces arginine 846 with tryptophan.
Molecular consequence: missense variant.
Genome position (GRCh38, 1-based): chr2:236,124,084, C>T. VCF-style: chr2-236124084-C-T. GRCh37 (hg19) VCF-style: chr2-237032728-C-T.
Other names: c.2377C>T, p.Arg793Trp (NM_014914.5); short protein forms R793W, R846W.
Identifiers: ClinVar variation 2185159 (VCV002185159.4), dbSNP rs1405228849, ClinGen allele CA351162732.

ClinVar aggregate classification (germline): Uncertain significance (1 of 4 stars; one submission).

Allele frequency attached by ClinVar (database versions not stated): TOPMed below 0.00001; gnomAD 0.00001; gnomAD exomes 0.00001.
gnomAD v4.1: 27 of 1,613,994 alleles (0.0017%); highest among the groups gnomAD compares: South Asian, 0.011%; no homozygotes.

Submission:

Labcorp Genetics (formerly Invitae), Labcorp
Classification: Uncertain significance. Last evaluated: 2022-08-01. Review status: criteria provided, single submitter. Criteria: Invitae Variant Classification Sherloc (09022015). Collection method: clinical testing. Allele origin: germline.
Comment: Algorithms developed to predict the effect of missense changes on protein structure and function are either unavailable or do not agree on the potential impact of this missense change (SIFT: "Deleterious"; PolyPhen-2: "Probably Damaging"; Align-GVGD: "Class C0"). In summary, the available evidence is currently insufficient to determine the role of this variant in disease. Therefore, it has been classified as a Variant of Uncertain Significance. This variant has not been reported in the literature in individuals affected with AGAP1-related conditions. This variant is present in population databases (no rsID available, gnomAD 0.02%). This sequence change replaces arginine, which is basic and polar, with tryptophan, which is neutral and slightly polar, at codon 793 of the AGAP1 protein (p.Arg793Trp).